The following is an entry in ClinVar:

ClinVar aggregate classification (germline): Uncertain significance (1 of 4 stars; one submission).

Conditions:
Aortic aneurysm, familial thoracic 6 (AAT6). Also called: FAMILIAL THORACIC AORTIC ANEURYSM WITH LIVEDO RETICULARIS AND IRIS FLOCCULI. Identifiers: MedGen C2673186, MONDO:0012730, OMIM 611788.

Submission:

Labcorp Genetics (formerly Invitae), Labcorp
Classification: Uncertain significance for Aortic aneurysm, familial thoracic 6. Last evaluated: 2024-02-12. Review status: criteria provided, single submitter. Criteria: Invitae Variant Classification Sherloc (09022015). Collection method: clinical testing. Allele origin: germline.
Comment: This sequence change replaces isoleucine, which is neutral and non-polar, with leucine, which is neutral and non-polar, at codon 214 of the ACTA2 protein (p.Ile214Leu). This variant is not present in population databases (gnomAD no frequency). This variant has not been reported in the literature in individuals affected with ACTA2-related conditions. Advanced modeling of protein sequence and biophysical properties (such as structural, functional, and spatial information, amino acid conservation, physicochemical variation, residue mobility, and thermodynamic stability) performed at Invitae indicates that this missense variant is not expected to disrupt ACTA2 protein function with a negative predictive value of 80%. In summary, the available evidence is currently insufficient to determine the role of this variant in disease. Therefore, it has been classified as a Variant of Uncertain Significance.

NM_001613.4(ACTA2):c.640A>C (p.Ile214Leu)

Genes: ACTA2-AS1 (ACTA2 antisense RNA 1; plus strand), ACTA2 (actin alpha 2, smooth muscle; minus strand). Cytogenetic location: 10q23.31.
Variant type: single nucleotide variant.
Coding change: c.640A>C on transcript NM_001613.4 (MANE Select); coding-DNA position 640, A replaced by C.
Protein change: p.Ile214Leu; replaces isoleucine 214 with leucine.
Molecular consequence: missense variant. On other transcripts: non-coding transcript variant (1), intron variant (1).
Genome position (GRCh38, 1-based): chr10:88,939,675, T>G on the plus strand (A>C on the coding strand, the complement: ACTA2 is on the minus strand). VCF-style: chr10-88939675-T-G. GRCh37 (hg19) VCF-style: chr10-90699432-T-G.
Other names: c.640A>C, p.Ile214Leu (NM_001141945.3, NM_001320855.2, NM_001406462.1 and 2 more transcripts); c.529A>C, p.Ile177Leu (NM_001406466.1); c.511A>C, p.Ile171Leu (NM_001406467.1, NM_001406468.1, NM_001406469.1); c.617-1433A>C (NM_001406471.1); short protein forms I177L, I214L, I171L.
Identifiers: ClinVar variation 3621388 (VCV003621388.2).